The following is an entry in ClinVar:

NM_000038.6(APC):c.5202del (p.Ser1737fs)

Gene: APC (APC regulator of Wnt signaling pathway; plus strand). Cytogenetic location: 5q22.2.
Variant type: Deletion.
Coding change: c.5202del on transcript NM_000038.6 (MANE Select); coding-DNA position 5202, one base deleted (A; older notation c.5202delA).
Protein change: p.Ser1737fs; shifts the reading frame from serine 1737.
Molecular consequence: frameshift variant. On other transcripts: non-coding transcript variant (2).
Genome position (GRCh38, 1-based): chr5:112,840,796, A deleted; the last of 3 consecutive A bases (chr5:112,840,794-112,840,796); deleting any one gives the same sequence. VCF-style (leftmost placement, unchanged base first): chr5-112840793-CA-C. GRCh37 (hg19) VCF-style: chr5-112176490-CA-C.
Other names: c.5202del, p.Ser1737fs (NM_001127510.3, NM_001354895.2, NM_001407450.1); c.5148del, p.Ser1719fs (NM_001127511.3); c.5256del, p.Ser1755fs (NM_001354896.2, NM_001407447.1, NM_001407448.1 and 1 more transcripts); c.5232del, p.Ser1747fs (NM_001354897.2); c.5127del, p.Ser1712fs (NM_001354898.2); c.5118del, p.Ser1709fs (NM_001354899.2); c.5079del, p.Ser1696fs (NM_001354900.2); c.5025del, p.Ser1678fs (NM_001354901.2, NM_001407453.1); and 11 more; short protein forms S1353fs, S1454fs, S1577fs, S1608fs, S1611fs, S1636fs, S1646fs, S1654fs.
Identifiers: ClinVar variation 2584131 (VCV002584131.2), dbSNP rs2149934476, ClinGen allele CA2582341421.
Genomic context (GRCh38, chr5:112,840,793, plus strand): 5'-GGATGACAATAAAGCAGAGGAAGGTGATATTCTTGCAGAATGCATTAATTCTGCTATGCC[CA>C]AAGGGAAAAGTCACAAGCCTTTCCGTGTGAAAAAGATAATGGACCAGGTCCAGCAAGCAT-3'

ClinVar aggregate classification (germline): Pathogenic (1 of 4 stars; one submission).

Conditions:
Familial adenomatous polyposis 1 (FAP1). Also called: FAMILIAL ADENOMATOUS POLYPOSIS 1, ATTENUATED; POLYPOSIS, ADENOMATOUS INTESTINAL. Identifiers: MedGen C2713442, MONDO:0021056, OMIM 175100. Disease mechanism: loss of function.

Submission:

Myriad Genetics, Inc.
Classification: Pathogenic for Familial adenomatous polyposis 1. Last evaluated: 2023-05-12. Review status: criteria provided, single submitter. Criteria: Myriad Autosomal Dominant, Autosomal Recessive and X-Linked Classification Criteria (2023). Collection method: clinical testing. Allele origin: unknown.
Comment: This variant is considered pathogenic. This variant creates a frameshift predicted to result in premature protein truncation.